The following is an entry in ClinVar:

NM_020822.3(KCNT1):c.2944-52CTCC[6]

Gene: KCNT1 (potassium sodium-activated channel subfamily T member 1; plus strand). Cytogenetic location: 9q34.3.
Variant type: Microsatellite.
Coding change: c.2944-52CTCC[6] on transcript NM_020822.3 (MANE Select); six copies in a row of the 4-base unit CTCC starting at c.2944-52.
Molecular consequence: intron variant.
Genome position: GRCh38 VCF-style: chr9-135784482-GCTCCCTCCCTCCCTCCCTCC-G. GRCh37 (hg19) VCF-style: chr9-138676328-GCTCCCTCCCTCCCTCCCTCC-G.
Other names: c.2944-26_2944-7del20 (NM_020822.2); c.2809-52CTCC[6] (NM_001272003.2).
Identifiers: ClinVar variation 195980 (VCV000195980.10), dbSNP rs55843930, ClinGen allele CA242709.

ClinVar aggregate classification (germline): Benign. Review status: criteria provided, multiple submitters, no conflicts (2 of 4 stars). 5 submissions from 4 submitters: Benign (4). 1 of the submissions does not count toward it. Last evaluated 2022-03-15.

Conditions:
KCNT1-related disorder. Also called: KCNT1-related condition.
Developmental and epileptic encephalopathy, 14 (DEE14). Also called: Early infantile epileptic encephalopathy 14. Identifiers: Orphanet 293181, MedGen C3554195, MONDO:0013989, OMIM 614959.
Autosomal dominant nocturnal frontal lobe epilepsy 5. Also called: Epilepsy, nocturnal frontal lobe, 5; CILIARY DYSKINESIA, PRIMARY, 28, WITHOUT SITUS INVERSUS; CILIARY DYSKINESIA, PRIMARY, 28, WITH SITUS INVERSUS; KCNT1-Related Epilepsy. Identifiers: Orphanet 98784, MedGen C3554306, MONDO:0014002, OMIM 615005.

Submissions (5):

Genome-Nilou Lab
Classification: Benign for Developmental and epileptic encephalopathy, 14. Last evaluated: 2022-03-15. Review status: criteria provided, single submitter. Criteria: ACMG Guidelines, 2015. Collection method: clinical testing. Allele origin: germline. Affected: no.

Genome-Nilou Lab
Classification: Benign for Autosomal dominant nocturnal frontal lobe epilepsy 5. Last evaluated: 2022-03-15. Review status: criteria provided, single submitter. Criteria: ACMG Guidelines, 2015. Collection method: clinical testing. Allele origin: germline. Affected: no.

Eurofins Ntd Llc (ga)
Classification: Benign. Last evaluated: 2016-02-26. Review status: criteria provided, single submitter. Criteria: EGL Classification Definitions 2015. Collection method: clinical testing. Allele origin: germline. Observed: 17 variant alleles, 15 homozygotes.

GeneDx
Classification: Benign. Last evaluated: 2016-01-13. Review status: criteria provided, single submitter. Criteria: GeneDx Variant Classification Process June 2021. Collection method: clinical testing. Allele origin: germline. Affected: yes.

PreventionGenetics, part of Exact Sciences
Classification: Benign for KCNT1-related condition. Last evaluated: 2023-04-12. Review status: no assertion criteria provided. Collection method: clinical testing. Allele origin: germline. Not counted in ClinVar's aggregate classification.
Comment: This variant is classified as benign based on ACMG/AMP sequence variant interpretation guidelines (Richards et al. 2015 PMID: 25741868, with internal and published modifications).